The following is an entry in ClinVar:

NM_020975.6(RET):c.3217_3218dup (p.Ser1073fs)

Gene: RET (ret proto-oncogene; plus strand). Cytogenetic location: 10q11.21.
Variant type: Microsatellite.
Coding change: c.3217_3218dup on transcript NM_020975.6 (MANE Select); coding-DNA positions 3217 to 3218, 2 bases duplicated (AG; older notation c.3217_3218dupAG).
Protein change: p.Ser1073fs; shifts the reading frame from serine 1073.
Molecular consequence: frameshift variant.
Genome position (GRCh38, 1-based): chr10:43,128,141-43,128,142, AG duplicated; duplicating any 2 consecutive bases within chr10:43,128,136-43,128,142 gives the same sequence; the c. name uses the placement nearest the transcript's 3' end. VCF-style (leftmost placement, unchanged base first): chr10-43128135-G-GGA. GRCh37 (hg19) VCF-style: chr10-43623583-G-GGA.
Other names: short protein forms S1073fs.
Identifiers: ClinVar variation 1433312 (VCV001433312.11), dbSNP rs1428704590, ClinGen allele CA592898085.

ClinVar aggregate classification (germline): Uncertain significance. Review status: criteria provided, multiple submitters, no conflicts (2 of 4 stars). 4 submissions from 4 submitters: Uncertain significance (4). Last evaluated 2026-01-16.

Conditions:
Multiple endocrine neoplasia, type 2 (MEN2). Identifiers: Orphanet 653, MedGen C4048306, MONDO:0019003. Disease mechanism: gain of function.
Multiple endocrine neoplasia type 2B. Also called: WAGENMANN-FROBOESE SYNDROME; MULTIPLE ENDOCRINE NEOPLASIA, TYPE III; MEN 2B; Multiple endocrine neoplasia, type 3; MULTIPLE ENDOCRINE NEOPLASIA, TYPE IIB; MEN IIB. Identifiers: Orphanet 247709, Orphanet 653, MedGen C0025269, MeSH D018814, MONDO:0008082, OMIM 162300.
Multiple endocrine neoplasia type 2A. Also called: MULTIPLE ENDOCRINE NEOPLASIA, TYPE IIA; PTC SYNDROME; SIPPLE SYNDROME; MEN 2A; MEN-2A syndrome; Pheochromocytoma and amyloid producing medullary thyroid carcinoma. Identifiers: Orphanet 247698, Orphanet 653, MedGen C0025268, MeSH D018813, MONDO:0008234, OMIM 171400.
Pheochromocytoma. Also called: MAX-Related Hereditary Paraganglioma-Pheochromocytoma Syndrome. Identifiers: Orphanet 29072, MedGen C0031511, MONDO:0008233, OMIM 171300, HP:0002666.
Familial medullary thyroid carcinoma (MTC). Also called: Thyroid cancer, familial medullary; MTC, familial; Familial Medullary Thyroid Carcinoma (FMTC). Identifiers: Orphanet 653, Orphanet 99361, MedGen C1833921, MONDO:0007958, OMIM 155240.
Hirschsprung disease, susceptibility to, 1 (HSCR1). Also called: RET-Related Hirschsprung Disease. Identifiers: Orphanet 388, MedGen C3888239, MONDO:0007723, OMIM 142623.
Hereditary cancer-predisposing syndrome. Also called: Hereditary neoplastic syndrome; Neoplastic Syndromes, Hereditary; Tumor predisposition; Hereditary Cancer Syndrome. Identifiers: Orphanet 140162, MedGen C0027672, MeSH D009386, MONDO:0015356.

Submissions (4):

Labcorp Genetics (formerly Invitae), Labcorp
Classification: Uncertain significance for Multiple endocrine neoplasia, type 2. Last evaluated: 2026-01-16. Review status: criteria provided, single submitter. Criteria: Invitae Variant Classification Sherloc (09022015). Collection method: clinical testing. Allele origin: germline.
Comment: This sequence change creates a premature translational stop signal (p.Ser1073Argfs*37) in the RET gene. While this is not anticipated to result in nonsense mediated decay, it is expected to disrupt the last 42 amino acid(s) of the RET protein. This variant is present in population databases (no rsID available, gnomAD 0.01%). This variant has not been reported in the literature in individuals affected with RET-related conditions. ClinVar contains an entry for this variant (Variation ID: 1433312). Experimental studies and prediction algorithms are not available or were not evaluated, and the functional significance of this variant is currently unknown. In summary, the available evidence is currently insufficient to determine the role of this variant in disease. Therefore, it has been classified as a Variant of Uncertain Significance.

Ambry Genetics
Classification: Uncertain significance for Hereditary cancer-predisposing syndrome. Last evaluated: 2025-04-10. Review status: criteria provided, single submitter. Criteria: Ambry Variant Classification Scheme 2023. Collection method: clinical testing. Allele origin: germline.
Comment: The c.3217_3218dupAG variant, located in coding exon 20 of the RET gene, results from a duplication of AG at nucleotide position 3217, causing a translational frameshift with a predicted alternate stop codon (p.S1073Rfs*37). This alteration occurs at the 3' terminus of theRET gene, is not expected to trigger nonsense-mediated mRNAdecay, and only impacts the last 4% of the protein. The exact functional effect of this alteration is unknown. Based on the available evidence, the clinical significance of this variant remains unclear.

Fulgent Genetics
Classification: Uncertain significance for Hirschsprung disease, susceptibility to, 1; Familial medullary thyroid carcinoma; Multiple endocrine neoplasia type 2B; Pheochromocytoma; Multiple endocrine neoplasia type 2A. Last evaluated: 2024-02-23. Review status: criteria provided, single submitter. Criteria: ACMG Guidelines, 2015. Collection method: clinical testing. Allele origin: germline.

All of Us Research Program, National Institutes of Health
Classification: Uncertain significance for Multiple endocrine neoplasia, type 2. Last evaluated: 2023-04-03. Review status: criteria provided, single submitter. Criteria: ACMG Guidelines, 2015. Collection method: clinical testing. Allele origin: germline. Inheritance: Autosomal dominant inheritance. Observed: 1 variant allele, 1 heterozygote.
Comment: This variant inserts 2 nucleotides in exon 20 of the RET gene, creating a frameshift and premature translation stop signal in the last coding exon. This variant is expected to disrupt the C-terminus of the protein but not to trigger nonsense mediated decay. To our knowledge, this variant has not been reported in individuals affected with RET-related disorders in the literature. This variant has been identified in 1/31394 chromosomes in the general population by the Genome Aggregation Database (gnomAD). The available evidence is insufficient to determine the role of this variant in disease conclusively. Therefore, this variant is classified as a Variant of Uncertain Significance.

This study involves interpretation of variants in research participants for the purpose of population health screening. Participant phenotype was not available at the time of variant classification. Additional details can be found in publication PMID: 35346344, PMCID: PMC8962531